The following is an entry in ClinVar:

ClinVar aggregate classification (germline): Conflicting classifications of pathogenicity. Review status: criteria provided, conflicting classifications (1 of 4 stars). 4 submissions from 4 submitters: Likely pathogenic (3); Uncertain significance (1). Last evaluated 2024-05-06.

Conditions:
Early-infantile DEE. Also called: Ohtahara syndrome; Early infantile epileptic encephalopathy; Early infantile epileptic encephalopathy with suppression bursts. Identifiers: Orphanet 1934, MedGen C0393706, MONDO:0800491.
Inborn genetic diseases. Identifiers: MedGen C0950123, MeSH D030342.

Submissions (4):

Labcorp Genetics (formerly Invitae), Labcorp
Classification: Uncertain significance for Early-infantile DEE. Last evaluated: 2024-05-06. Review status: criteria provided, single submitter. Criteria: Invitae Variant Classification Sherloc (09022015). Collection method: clinical testing. Allele origin: germline.
Comment: This sequence change replaces glutamine, which is neutral and polar, with histidine, which is basic and polar, at codon 204 of the KCNQ2 protein (p.Gln204His). This variant is not present in population databases (gnomAD no frequency). This missense change has been observed in individual(s) with epilepsy and neurodevelopmental disorders (PMID: 27602407, 29655203). ClinVar contains an entry for this variant (Variation ID: 205871). Advanced modeling of protein sequence and biophysical properties (such as structural, functional, and spatial information, amino acid conservation, physicochemical variation, residue mobility, and thermodynamic stability) performed at Invitae indicates that this missense variant is expected to disrupt KCNQ2 protein function with a positive predictive value of 95%. In summary, the available evidence is currently insufficient to determine the role of this variant in disease. Therefore, it has been classified as a Variant of Uncertain Significance.

Ambry Genetics
Classification: Likely pathogenic for Inborn genetic diseases. Last evaluated: 2022-08-08. Review status: criteria provided, single submitter. Criteria: Ambry Variant Classification Scheme 2023. Collection method: clinical testing. Allele origin: germline.
Comment: The c.612G>C (p.Q204H) alteration is located in exon 4 (coding exon 4) of the KCNQ2 gene. This alteration results from a G to C substitution at nucleotide position 612, causing the glutamine (Q) at amino acid position 204 to be replaced by a histidine (H). This variant was not reported in population-based cohorts in the Genome Aggregation Database (gnomAD). This alteration has been detected in the heterozygous state in a parent and a child with benign neonatal familial epilepsy (Millichap, 2016), and in an individual with neonatal focal onset seizures (Lindy, 2018). This amino acid position is highly conserved in available vertebrate species. Based on internal structural analysis, Q204H is deleterious. The variant disrupts a known structural motif necessary for protein function (Shapiro, 2000; Wuttke, 2007; Dedek, 2003; Singh, 2003; Dedek, 2001; Wang, 1998). Functional assays show reduced electrophysiology in vitro (Vanoye, 2022). Based on the available evidence, this alteration is classified as likely pathogenic.

GeneDx
Classification: Likely pathogenic. Last evaluated: 2020-09-02. Review status: criteria provided, single submitter. Criteria: GeneDx Variant Classification Process June 2021. Collection method: clinical testing. Allele origin: germline. Affected: yes.
Comment: Not observed in large population cohorts (Lek et al., 2016); Missense variants in this gene are often considered pathogenic (Stenson et al., 2014); In silico analysis supports that this missense variant has a deleterious effect on protein structure/function; This variant is associated with the following publications: (PMID: 29655203)

Revvity Omics, Revvity
Classification: Likely pathogenic. Last evaluated: 2019-11-25. Review status: criteria provided, single submitter. Criteria: ACMG Guidelines, 2015. Collection method: clinical testing. Allele origin: germline.

Literature cited by the submitters: PubMed 27602407 (cited by Labcorp Genetics (formerly Invitae), Labcorp and Ambry Genetics); PubMed 29655203 (cited by Labcorp Genetics (formerly Invitae), Labcorp and Ambry Genetics); PubMed 9836639 (cited by Ambry Genetics); PubMed 10684873 (cited by Ambry Genetics); PubMed 11572947 (cited by Ambry Genetics); PubMed 12742592 (cited by Ambry Genetics); PubMed 14534157 (cited by Ambry Genetics); PubMed 17872363 (cited by Ambry Genetics); PubMed 35104249 (cited by Ambry Genetics).

NM_172107.4(KCNQ2):c.612G>C (p.Gln204His)

Gene: KCNQ2 (potassium voltage-gated channel subfamily Q member 2; minus strand). Cytogenetic location: 20q13.33.
Variant type: single nucleotide variant.
Coding change: c.612G>C on transcript NM_172107.4 (MANE Select); coding-DNA position 612, G replaced by C.
Protein change: p.Gln204His; replaces glutamine 204 with histidine.
Molecular consequence: missense variant.
Genome position (GRCh38, 1-based): chr20:63,444,737, C>G on the plus strand (G>C on the coding strand, the complement: KCNQ2 is on the minus strand). VCF-style: chr20-63444737-C-G. GRCh37 (hg19) VCF-style: chr20-62076090-C-G.
Other names: p.Q204H:CAG>CAC; c.612G>C, p.Gln204His (NM_004518.6, NM_172106.3, NM_172108.5 and 1 more transcripts); short protein forms Q204H.
Identifiers: ClinVar variation 205871 (VCV000205871.10), dbSNP rs796052625, ClinGen allele CA315367.
Genomic context (GRCh38, chr20:63,444,737, plus strand): 5'-CACAGAGCCCAGCAGCTTCCAGGTGCCTCCCCGCCGGTCCATGCGGATCATCCGCAGAAT[C>G]TGCAGGAAGCGCAGGCTCCGGAGCGCAGATGTGGCAAAGACGTTGCCCTGGGAGCCGGCG-3'
Protein context (NP_742105.1, residues 194-214): TSALRSLRFL[Gln204His]ILRMIRMDRR